The following is an entry in ClinVar:

NM_000059.4(BRCA2):c.9105T>A (p.Tyr3035Ter)

Gene: BRCA2 (BRCA2 DNA repair associated; plus strand). Cytogenetic location: 13q13.1.
Variant type: single nucleotide variant.
Coding change: c.9105T>A on transcript NM_000059.4 (MANE Select); coding-DNA position 9105, T replaced by A.
Protein change: p.Tyr3035Ter; replaces tyrosine 3035 with a stop codon.
Molecular consequence: nonsense. On other transcripts: non-coding transcript variant (1).
Genome position (GRCh38, 1-based): chr13:32,379,901, T>A. VCF-style: chr13-32379901-T-A. GRCh37 (hg19) VCF-style: chr13-32954038-T-A.
Other names: NP_000050.3:p.Tyr3035Ter; c.4173T>A, p.Tyr1391Ter (NM_001406721.1); c.9054T>A, p.Tyr3018Ter (NM_001406720.1); c.9009T>A, p.Tyr3003Ter (NM_001406719.1); c.2688T>A, p.Tyr896Ter (NM_001406722.1); c.9105T>A, p.Tyr3035Ter (NM_001432077.1); short protein forms Y3035*, Y1391*, Y3003*, Y3018*, Y896*.
Identifiers: ClinVar variation 1325642 (VCV001325642.7), dbSNP rs886040819, ClinGen allele CA387757707.
Genomic context (GRCh38, chr13:32,379,901, plus strand): 5'-ATCTAAAAGTAAATCTGAAAGAGCTAACATACAGTTAGCAGCGACAAAAAAAACTCAGTA[T>A]CAACAACTACCGGTACAAACCTTTCATTGTAATTTTTCAGTTTTGATAAGTGCTTGTTAG-3'

ClinVar aggregate classification (germline): Pathogenic. Review status: criteria provided, multiple submitters, no conflicts (2 of 4 stars). 2 submissions from 2 submitters: Pathogenic (2). Last evaluated 2021-11-16.

Conditions:
Hereditary breast ovarian cancer syndrome. Also called: Hereditary breast and ovarian cancer syndrome; Hereditary breast and ovarian cancer; Hereditary breast and ovarian cancer syndrome (HBOC); BRCA1- and BRCA2-Associated Hereditary Breast and Ovarian Cancer; Hereditary breast and/or ovarian cancer syndrome; Breast and ovarian cancer. Identifiers: Orphanet 145, MedGen C0677776, MeSH D061325, MONDO:0003582. Disease mechanism: loss of function.

Submissions (2):

National Health Laboratory Service, Universitas Academic Hospital and University of the Free State
Classification: Pathogenic for Hereditary breast ovarian cancer syndrome. Last evaluated: 2021-11-16. Review status: criteria provided, single submitter. Criteria: ACMG Guidelines, 2015. Collection method: clinical testing. Allele origin: germline. Affected: yes. Observed: 2 variant alleles.

Labcorp Genetics (formerly Invitae), Labcorp
Classification: Pathogenic for Hereditary breast ovarian cancer syndrome. Last evaluated: 2021-08-15. Review status: criteria provided, single submitter. Criteria: Invitae Variant Classification Sherloc (09022015). Collection method: clinical testing. Allele origin: germline.
Comment: This sequence change creates a premature translational stop signal (p.Tyr3035*) in the BRCA2 gene. It is expected to result in an absent or disrupted protein product. Loss-of-function variants in BRCA2 are known to be pathogenic (PMID: 20104584). This variant is not present in population databases (ExAC no frequency). This premature translational stop signal has been observed in individual(s) with a personal and/or family history of breast cancer (PMID: 25863477, 29446198). For these reasons, this variant has been classified as Pathogenic.

Literature cited by the submitters: DOI 10.3389/fgene.2022.834265 (cited by National Health Laboratory Service, Universitas Academic Hospital and University of the Free State); PubMed 20104584 (cited by Labcorp Genetics (formerly Invitae), Labcorp); PubMed 25863477 (cited by Labcorp Genetics (formerly Invitae), Labcorp); PubMed 29446198 (cited by Labcorp Genetics (formerly Invitae), Labcorp).